The following is an entry in ClinVar:

NM_002971.6(SATB1):c.669T>G (p.Thr223=)

Gene: SATB1 (SATB homeobox 1; minus strand). Cytogenetic location: 3p24.3.
Variant type: single nucleotide variant.
Coding change: c.669T>G on transcript NM_002971.6 (MANE Select); coding-DNA position 669, T replaced by G.
Protein change: p.Thr223=; no amino-acid change (threonine 223 retained).
Molecular consequence: synonymous variant.
Genome position (GRCh38, 1-based): chr3:18,397,261, A>C on the plus strand (T>G on the coding strand, the complement: SATB1 is on the minus strand). VCF-style: chr3-18397261-A-C. GRCh37 (hg19) VCF-style: chr3-18438753-A-C.
Other names: c.669T>G, p.Thr223= (NM_001131010.4, NM_001195470.3, NM_001322871.2 and 4 more transcripts); c.453T>G, p.Thr151= (NM_001322876.2).
Identifiers: ClinVar variation 2633405 (VCV002633405.1), dbSNP rs758703001, ClinGen allele CA2282165.

ClinVar aggregate classification (germline): Uncertain significance (1 of 4 stars; one submission).

Conditions:
SATB1-related disorder. Also called: SATB1-related condition.

Allele frequency attached by ClinVar (database versions not stated): gnomAD exomes below 0.00001; ExAC 0.00001.
gnomAD v4.1: 1 of 1,609,766 alleles (0.000062%); highest among the groups gnomAD compares: Non-Finnish European, 0.000085%; no homozygotes.

Submission:

PreventionGenetics, part of Exact Sciences
Classification: Uncertain significance for SATB1-related condition. Last evaluated: 2023-04-13. Review status: criteria provided, single submitter. Criteria: ACMG Guidelines, 2015. Collection method: clinical testing. Allele origin: germline.
Comment: The SATB1 c.669T>G variant is not predicted to result in an amino acid change (p.=). To our knowledge, this variant has not been reported in the literature. This variant is reported in 0.00088% of alleles in individuals of European (Non-Finnish) descent in gnomAD. At this time, the clinical significance of this variant is uncertain due to the absence of conclusive functional and genetic evidence.